The following is an entry in ClinVar:

ClinVar aggregate classification (germline): Benign. Review status: criteria provided, multiple submitters, no conflicts (2 of 4 stars). 3 submissions from 3 submitters: Benign (2). 1 of the submissions does not count toward it. Last evaluated 2017-08-24.

Allele frequency attached by ClinVar (database versions not stated): ESP Exome Variant Server 0.01446; gnomAD 0.01597 and 0.01968; TOPMed 0.01645; gnomAD exomes 0.02995; ExAC 0.03653; 1000 Genomes Project 30x 0.04185; 1000 Genomes Project 0.04453.
gnomAD v4.1: 34,203 of 1,609,038 alleles (2.1%); highest among the groups gnomAD compares: South Asian, 11%; 809 homozygotes.

Submissions (3):

Women's Health and Genetics/Laboratory Corporation of America, LabCorp
Classification: Benign. Last evaluated: 2017-08-24. Review status: criteria provided, single submitter. Criteria: LabCorp Variant Classification Summary - May 2015. Collection method: clinical testing. Allele origin: germline.
Comment: Variant summary: The c.87G>A (p.Glu29=; also known as c.33G>A (p.E11=) in NM_139212.3) in HOPX gene is a synonymous change that involves a mildly conserved nucleotide. 5/5 programs in Alamut predict that this variant does not affect splicing, however no functional studies supporting this notion were published at the time of evaluation. The variant is present in control dataset of ExAC at a frequency of 0.0365 (3551/ 97210 chrs tested, including 130 homozygotes), predominantly in individuals of South Asian descent (0.12; 1701/ 14110 chrs tested, including 111 homozygotes). These frequencies exceed the estimated maximum allele frequency for a pathogenic allele in this gene (0.000025). The variant of interest has not, to our knowledge, been reported in affected individuals via published reports, but is sited as Likely Benign by a reputable database/clinical laboratory. Taking together, the variant was classified as Benign.

Breakthrough Genomics
Classification: Benign. Review status: criteria provided, single submitter. Criteria: ACMG Guidelines, 2015. Collection method: not provided. Allele origin: germline. Inheritance: Unknown mechanism. Affected: yes.

Laboratory for Molecular Medicine, Mass General Brigham Personalized Medicine
Classification: Likely benign. Last evaluated: 2009-01-20. Review status: no assertion criteria provided. Collection method: clinical testing. Allele origin: germline. Observed: 1 variant allele. Not counted in ClinVar's aggregate classification.

NM_032495.6(HOPX):c.87G>A (p.Glu29=)

Gene: HOPX (HOP homeobox; minus strand). Cytogenetic location: 4q12.
Variant type: single nucleotide variant.
Coding change: c.87G>A on transcript NM_032495.6 (MANE Select); coding-DNA position 87, G replaced by A.
Protein change: p.Glu29=; no amino-acid change (glutamic acid 29 retained).
Molecular consequence: synonymous variant.
Genome position (GRCh38, 1-based): chr4:56,655,968, C>T on the plus strand (G>A on the coding strand, the complement: HOPX is on the minus strand). VCF-style: chr4-56655968-C-T. GRCh37 (hg19) VCF-style: chr4-57522134-C-T.
Other names: c.33G>A, p.Glu11= (NM_001145459.2, NM_139211.5, NM_139212.4); c.87G>A, p.Glu29= (NM_001145460.2).
Identifiers: ClinVar variation 47880 (VCV000047880.7), dbSNP rs11555052, ClinGen allele CA142091.